The following is an entry in ClinVar:

NM_000890.5(KCNJ5):c.902T>A (p.Val301Asp)

Gene: KCNJ5 (potassium inwardly rectifying channel subfamily J member 5; plus strand). Cytogenetic location: 11q24.3.
Variant type: single nucleotide variant.
Coding change: c.902T>A on transcript NM_000890.5 (MANE Select); coding-DNA position 902, T replaced by A.
Protein change: p.Val301Asp; replaces valine 301 with aspartic acid.
Molecular consequence: missense variant.
Genome position (GRCh38, 1-based): chr11:128,912,175, T>A. VCF-style: chr11-128912175-T-A. GRCh37 (hg19) VCF-style: chr11-128782070-T-A.
Other names: c.902T>A, p.Val301Asp (NM_001354169.2); short protein forms V301D.
Identifiers: ClinVar variation 1019977 (VCV001019977.11), dbSNP rs1462481036, ClinGen allele CA383251544.

ClinVar aggregate classification (germline): Uncertain significance. Review status: criteria provided, multiple submitters, no conflicts (2 of 4 stars). 3 submissions from 3 submitters: Uncertain significance (3). Last evaluated 2024-05-21.

Conditions:
Cardiovascular phenotype. Identifiers: MedGen CN230736.
Long QT syndrome 13 (LQT13). Identifiers: Orphanet 101016, Orphanet 768, MedGen C3150733, MONDO:0013279, OMIM 613485.
Familial hyperaldosteronism type III. Also called: Familial hyperaldosteronism type 3; FH III. Identifiers: Orphanet 251274, MedGen C3838758, MONDO:0013359, OMIM 613677.
Long QT syndrome (LQTS). Identifiers: MedGen C0023976, MeSH D008133, MONDO:0002442. Disease mechanism: loss of function. Inheritance: Various modes of inheritance.

Allele frequency attached by ClinVar (database versions not stated): gnomAD 0.00001; TOPMed 0.00002.
gnomAD v4.1: 1 of 1,606,844 alleles (0.000062%); highest among the groups gnomAD compares: African/African-American, 0.0013%; no homozygotes.

Submissions (3):

Fulgent Genetics
Classification: Uncertain significance for Long QT syndrome 13; Familial hyperaldosteronism type III. Last evaluated: 2024-05-21. Review status: criteria provided, single submitter. Criteria: ACMG Guidelines, 2015. Collection method: clinical testing. Allele origin: germline.

Labcorp Genetics (formerly Invitae), Labcorp
Classification: Uncertain significance for Long QT syndrome. Last evaluated: 2020-02-18. Review status: criteria provided, single submitter. Criteria: Invitae Variant Classification Sherloc (09022015). Collection method: clinical testing. Allele origin: germline.
Comment: This sequence change replaces valine with aspartic acid at codon 301 of the KCNJ5 protein (p.Val301Asp). The valine residue is moderately conserved and there is a large physicochemical difference between valine and aspartic acid. This variant is not present in population databases (ExAC no frequency). This variant has not been reported in the literature in individuals with KCNJ5-related disease. Algorithms developed to predict the effect of missense changes on protein structure and function (SIFT, PolyPhen-2, Align-GVGD) all suggest that this variant is likely to be disruptive, but these predictions have not been confirmed by published functional studies and their clinical significance is uncertain. In summary, the available evidence is currently insufficient to determine the role of this variant in disease. Therefore, it has been classified as a Variant of Uncertain Significance.

Ambry Genetics
Classification: Uncertain significance for Cardiovascular phenotype. Last evaluated: 2019-11-19. Review status: criteria provided, single submitter. Criteria: Ambry Variant Classification Scheme 2023. Collection method: clinical testing. Allele origin: germline.
Comment: The p.V301D variant (also known as c.902T>A), located in coding exon 1 of the KCNJ5 gene, results from a T to A substitution at nucleotide position 902. The valine at codon 301 is replaced by aspartic acid, an amino acid with highly dissimilar properties. This amino acid position is not well conserved in available vertebrate species. In addition, this alteration is predicted to be deleterious by in silico analysis. Since supporting evidence is limited at this time, the clinical significance of this alteration remains unclear.